The following is an entry in ClinVar:

NM_005477.3(HCN4):c.994C>T (p.Arg332Trp)

Genes: HCN4 (hyperpolarization activated cyclic nucleotide gated potassium channel 4; minus strand), LOC105370890 (uncharacterized LOC105370890; plus strand), LOC126862173 (CDK7 strongly-dependent group 2 enhancer GRCh37_chr15:73635762-73636961; plus strand). Cytogenetic location: 15q24.1.
Variant type: single nucleotide variant.
Coding change: c.994C>T on transcript NM_005477.3 (MANE Select); coding-DNA position 994, C replaced by T.
Protein change: p.Arg332Trp; replaces arginine 332 with tryptophan.
Molecular consequence: missense variant.
Genome position (GRCh38, 1-based): chr15:73,343,600, G>A on the plus strand (C>T on the coding strand, the complement: HCN4 is on the minus strand). VCF-style: chr15-73343600-G-A. GRCh37 (hg19) VCF-style: chr15-73635941-G-A.
Other names: short protein forms R332W.
Identifiers: ClinVar variation 954774 (VCV000954774.14), dbSNP rs141185786, ClinGen allele CA7649385.

ClinVar aggregate classification (germline): Uncertain significance. Review status: criteria provided, multiple submitters, no conflicts (2 of 4 stars). 3 submissions from 3 submitters: Uncertain significance (3). Last evaluated 2026-01-05.

Conditions:
Cardiovascular phenotype. Identifiers: MedGen CN230736.
Brugada syndrome 8 (BRGDA8). Identifiers: Orphanet 130, MedGen C2751083, MONDO:0013148, OMIM 613123.
Sick sinus syndrome 2, autosomal dominant (SSS2). Also called: SINUS BRADYCARDIA SYNDROME, FAMILIAL, AUTOSOMAL DOMINANT; SINUS NODE DISEASE, FAMILIAL, AUTOSOMAL DOMINANT; ATRIAL FIBRILLATION WITH BRADYARRHYTHMIA; SICK SINUS SYNDROME 2; SICK SINUS SYNDROME 2 WITH OR WITHOUT CARDIAC NONCOMPACTION AND/OR ASCENDING AORTA DILATION. Identifiers: Orphanet 166282, MedGen C1834144, MONDO:0008102, OMIM 163800.

Allele frequency attached by ClinVar (database versions not stated): gnomAD exomes 0.00001; ExAC 0.00002; ESP Exome Variant Server 0.00008; TOPMed below 0.00001; gnomAD 0.00001.
gnomAD v4.1: 10 of 1,613,988 alleles (0.00062%); highest among the groups gnomAD compares: South Asian, 0.0022%; no homozygotes.

Submissions (3):

Institute of Immunology and Genetics Kaiserslautern
Classification: Uncertain significance for Brugada syndrome 8; Sick sinus syndrome 2, autosomal dominant. Last evaluated: 2026-01-05. Review status: criteria provided, single submitter. Criteria: ACMG Guidelines, 2015. Collection method: clinical testing. Allele origin: germline. Affected: yes.
Comment: ACMG Criteria: PM2_P, PP3; Variant was found in a heterozygous state

Labcorp Genetics (formerly Invitae), Labcorp
Classification: Uncertain significance for Brugada syndrome 8. Last evaluated: 2025-09-25. Review status: criteria provided, single submitter. Criteria: Invitae Variant Classification Sherloc (09022015). Collection method: clinical testing. Allele origin: germline.
Comment: This sequence change replaces arginine, which is basic and polar, with tryptophan, which is neutral and slightly polar, at codon 332 of the HCN4 protein (p.Arg332Trp). This variant is present in population databases (rs141185786, gnomAD 0.006%). This variant has not been reported in the literature in individuals affected with HCN4-related conditions. ClinVar contains an entry for this variant (Variation ID: 954774). Invitae Evidence Modeling of protein sequence and biophysical properties (such as structural, functional, and spatial information, amino acid conservation, physicochemical variation, residue mobility, and thermodynamic stability) has been performed for this missense variant. However, the output from this modeling did not meet the statistical confidence thresholds required to predict the impact of this variant on HCN4 protein function. In summary, the available evidence is currently insufficient to determine the role of this variant in disease. Therefore, it has been classified as a Variant of Uncertain Significance.

Ambry Genetics
Classification: Uncertain significance for Cardiovascular phenotype. Last evaluated: 2025-02-26. Review status: criteria provided, single submitter. Criteria: Ambry Variant Classification Scheme 2023. Collection method: clinical testing. Allele origin: germline.
Comment: The p.R332W variant (also known as c.994C>T), located in coding exon 2 of the HCN4 gene, results from a C to T substitution at nucleotide position 994. The arginine at codon 332 is replaced by tryptophan, an amino acid with dissimilar properties. This amino acid position is not well conserved in available vertebrate species. In addition, the in silico prediction for this alteration is inconclusive. Since supporting evidence is limited at this time, the clinical significance of this alteration remains unclear.